The following is an entry in ClinVar:

NM_001999.4(FBN2):c.4748T>C (p.Phe1583Ser)

Gene: FBN2 (fibrillin 2; minus strand). Cytogenetic location: 5q23.3.
Variant type: single nucleotide variant.
Coding change: c.4748T>C on transcript NM_001999.4 (MANE Select); coding-DNA position 4748, T replaced by C.
Protein change: p.Phe1583Ser; replaces phenylalanine 1583 with serine.
Molecular consequence: missense variant.
Genome position (GRCh38, 1-based): chr5:128,312,765, A>G on the plus strand (T>C on the coding strand, the complement: FBN2 is on the minus strand). VCF-style: chr5-128312765-A-G. GRCh37 (hg19) VCF-style: chr5-127648457-A-G.
Other names: short protein forms F1583S.
Identifiers: ClinVar variation 1742808 (VCV001742808.5), dbSNP rs1437911516, ClinGen allele CA360747654.

ClinVar aggregate classification (germline): Uncertain significance. Review status: criteria provided, multiple submitters, no conflicts (2 of 4 stars). 2 submissions from 2 submitters: Uncertain significance (2). Last evaluated 2023-10-18.

Conditions:
Familial thoracic aortic aneurysm and aortic dissection (TAAD). Also called: Thoracic aortic aneurysms and dissections. Identifiers: Orphanet 91387, MedGen C4707243, MONDO:0019625.
Congenital contractural arachnodactyly (CCA). Also called: BEALS SYNDROME; Arthrogryposis, distal, type 9; Beals-Hecht syndrome. Identifiers: Orphanet 115, MedGen C0220668, MONDO:0007363, OMIM 121050.

Allele frequency attached by ClinVar (database versions not stated): TOPMed below 0.00001; gnomAD 0.00001.
gnomAD v4.1: 5 of 1,613,744 alleles (0.00031%); highest among the groups gnomAD compares: Non-Finnish European, 0.00042%; no homozygotes.

Submissions (2):

Labcorp Genetics (formerly Invitae), Labcorp
Classification: Uncertain significance for Congenital contractural arachnodactyly. Last evaluated: 2023-10-18. Review status: criteria provided, single submitter. Criteria: Invitae Variant Classification Sherloc (09022015). Collection method: clinical testing. Allele origin: germline.
Comment: This sequence change replaces phenylalanine, which is neutral and non-polar, with serine, which is neutral and polar, at codon 1583 of the FBN2 protein (p.Phe1583Ser). This variant is present in population databases (no rsID available, gnomAD 0.0009%). This variant has not been reported in the literature in individuals affected with FBN2-related conditions. ClinVar contains an entry for this variant (Variation ID: 1742808). Advanced modeling of protein sequence and biophysical properties (such as structural, functional, and spatial information, amino acid conservation, physicochemical variation, residue mobility, and thermodynamic stability) has been performed at Invitae for this missense variant, however the output from this modeling did not meet the statistical confidence thresholds required to predict the impact of this variant on FBN2 protein function. In summary, the available evidence is currently insufficient to determine the role of this variant in disease. Therefore, it has been classified as a Variant of Uncertain Significance.

Ambry Genetics
Classification: Uncertain significance for Familial thoracic aortic aneurysm and aortic dissection. Last evaluated: 2020-12-22. Review status: criteria provided, single submitter. Criteria: Ambry Variant Classification Scheme 2023. Collection method: clinical testing. Allele origin: germline.
Comment: The p.F1583S variant (also known as c.4748T>C), located in coding exon 37 of the FBN2 gene, results from a T to C substitution at nucleotide position 4748. The phenylalanine at codon 1583 is replaced by serine, an amino acid with highly dissimilar properties. This amino acid position is not well conserved in available vertebrate species, and serine is the reference amino acid in other vertebrate species. In addition, the in silico prediction for this alteration is inconclusive. Since supporting evidence is limited at this time, the clinical significance of this alteration remains unclear.